The following is an entry in ClinVar:

NM_024757.5(EHMT1):c.3331T>C (p.Cys1111Arg)

Gene: EHMT1 (euchromatic histone lysine methyltransferase 1; plus strand). Cytogenetic location: 9q34.3.
Variant type: single nucleotide variant.
Coding change: c.3331T>C on transcript NM_024757.5 (MANE Select); coding-DNA position 3331, T replaced by C.
Protein change: p.Cys1111Arg; replaces cysteine 1111 with arginine.
Molecular consequence: missense variant.
Genome position (GRCh38, 1-based): chr9:137,816,019, T>C. VCF-style: chr9-137816019-T-C. GRCh37 (hg19) VCF-style: chr9-140710471-T-C.
Other names: c.3310T>C, p.Cys1104Arg (NM_001354263.2); short protein forms C1104R, C1111R.
Identifiers: ClinVar variation 4680919 (VCV004680919.1).
Genomic context (GRCh38, chr9:137,816,019, plus strand): 5'-CTGCCAGAGTTCAACATGGCGGAGCCTCCCTTGATCTTCGAATGCAACCACGCGTGCTCC[T>C]GCTGGAGGAACTGCCGAAATCGCGTCGTACAGAATGGTCTCAGGTGAGAGGCAGCTTCCT-3'
Protein context (NP_079033.4, residues 1101-1121): LIFECNHACS[Cys1111Arg]WRNCRNRVVQ

ClinVar aggregate classification (germline): Uncertain significance (1 of 4 stars; one submission).

Submission:

GeneDx
Classification: Uncertain significance. Last evaluated: 2025-06-28. Review status: criteria provided, single submitter. Criteria: GeneDx Variant Classification Process June 2021. Collection method: clinical testing. Allele origin: germline. Affected: yes.
Comment: Not observed at significant frequency in large population cohorts (gnomAD); In silico analysis supports that this missense variant has a deleterious effect on protein structure/function; Has not been previously published as pathogenic or benign to our knowledge